The following is an entry in ClinVar:

ClinVar aggregate classification (germline): Uncertain significance. Review status: criteria provided, single submitter (1 of 4 stars). 2 submissions from 2 submitters: Uncertain significance (1). 1 of the submissions does not count toward it. Last evaluated 2022-06-15.

Conditions:
Usher syndrome type 1 (USH1). Also called: RETINITIS PIGMENTOSA AND CONGENITAL DEAFNESS. Identifiers: Orphanet 231169, Orphanet 886, MedGen C1568247, MONDO:0010168, OMIM 276900.

Allele frequency attached by ClinVar (database versions not stated): gnomAD exomes 0.00001.
gnomAD v4.1: 20 of 1,610,112 alleles (0.0012%); highest among the groups gnomAD compares: Non-Finnish European, 0.0016%; no homozygotes.

Submissions (2):

Labcorp Genetics (formerly Invitae), Labcorp
Classification: Uncertain significance. Last evaluated: 2022-06-15. Review status: criteria provided, single submitter. Criteria: Invitae Variant Classification Sherloc (09022015). Collection method: clinical testing. Allele origin: germline.
Comment: This sequence change replaces lysine, which is basic and polar, with arginine, which is basic and polar, at codon 1397 of the CDH23 protein (p.Lys1397Arg). This variant is present in population databases (no rsID available, gnomAD no frequency). This variant has not been reported in the literature in individuals affected with CDH23-related conditions. ClinVar contains an entry for this variant (Variation ID: 955363). Algorithms developed to predict the effect of missense changes on protein structure and function are either unavailable or do not agree on the potential impact of this missense change (SIFT: "Deleterious"; PolyPhen-2: "Not Available"; Align-GVGD: "Class C25"). In summary, the available evidence is currently insufficient to determine the role of this variant in disease. Therefore, it has been classified as a Variant of Uncertain Significance.

Natera, Inc.
Classification: Uncertain significance for Usher syndrome type 1. Last evaluated: 2021-06-28. Review status: no assertion criteria provided. Collection method: clinical testing. Allele origin: germline. Not counted in ClinVar's aggregate classification.

NM_022124.6(CDH23):c.4190A>G (p.Lys1397Arg)

Genes: C10orf105 (chromosome 10 open reading frame 105; minus strand), CDH23 (cadherin related 23; plus strand). Cytogenetic location: 10q22.1.
Variant type: single nucleotide variant.
Coding change: c.4190A>G on transcript NM_022124.6 (MANE Select); coding-DNA position 4190, A replaced by G.
Protein change: p.Lys1397Arg; replaces lysine 1397 with arginine.
Molecular consequence: missense variant. On other transcripts: intron variant (1).
Genome position (GRCh38, 1-based): chr10:71,734,325, A>G. VCF-style: chr10-71734325-A-G. GRCh37 (hg19) VCF-style: chr10-73494082-A-G.
Other names: c.-6+3403T>C (NM_001168390.2); short protein forms K1397R.
Identifiers: ClinVar variation 955363 (VCV000955363.9), dbSNP rs1438134577, ClinGen allele CA377158560.